The following is an entry in ClinVar:

NM_007348.4(ATF6):c.1320A>C (p.Arg440Ser)

Gene: ATF6 (activating transcription factor 6; plus strand). Cytogenetic location: 1q23.3.
Variant type: single nucleotide variant.
Coding change: c.1320A>C on transcript NM_007348.4 (MANE Select); coding-DNA position 1320, A replaced by C.
Protein change: p.Arg440Ser; replaces arginine 440 with serine.
Molecular consequence: missense variant.
Genome position (GRCh38, 1-based): chr1:161,851,722, A>C. VCF-style: chr1-161851722-A-C. GRCh37 (hg19) VCF-style: chr1-161821512-A-C.
Other names: c.1320A>C, p.Arg440Ser (NM_001410890.1); short protein forms R440S.
Identifiers: ClinVar variation 1947824 (VCV001947824.5), dbSNP rs1686635996, ClinGen allele CA343380463.
Genomic context (GRCh38, chr1:161,851,722, plus strand): 5'-TAGCAAACTTCTTAGGAATTTAAGATACAAGGAAACAAATTTTGTGCATCCATGTTTCAG[A>C]TATGATCATTCTGTTTCAAATGACAAAGCCCTGATGGTGCTAACTGAAGAACCATTGCTT-3'
Protein context (NP_031374.2, residues 430-450): SDGIIQKNSY[Arg440Ser]YDHSVSNDKA

ClinVar aggregate classification (germline): Uncertain significance (1 of 4 stars; one submission).

gnomAD v4.1: 1 of 1,610,192 alleles (0.000062%); highest among the groups gnomAD compares: Admixed American, 0.0017%; no homozygotes.

Submission:

Labcorp Genetics (formerly Invitae), Labcorp
Classification: Uncertain significance. Last evaluated: 2022-02-09. Review status: criteria provided, single submitter. Criteria: Invitae Variant Classification Sherloc (09022015). Collection method: clinical testing. Allele origin: germline.
Comment: In summary, the available evidence is currently insufficient to determine the role of this variant in disease. Therefore, it has been classified as a Variant of Uncertain Significance. Algorithms developed to predict the effect of sequence changes on RNA splicing suggest that this variant may disrupt the consensus splice site. Algorithms developed to predict the effect of missense changes on protein structure and function output the following: SIFT: "Tolerated"; PolyPhen-2: "Benign"; Align-GVGD: "Class C0". The serine amino acid residue is found in multiple mammalian species, which suggests that this missense change does not adversely affect protein function. This variant has not been reported in the literature in individuals affected with ATF6-related conditions. This variant is not present in population databases (gnomAD no frequency). This sequence change replaces arginine, which is basic and polar, with serine, which is neutral and polar, at codon 440 of the ATF6 protein (p.Arg440Ser).